The following is an entry in ClinVar:

NM_005476.7(GNE):c.643A>G (p.Ile215Val)

Gene: GNE (glucosamine (UDP-N-acetyl)-2-epimerase/N-acetylmannosamine kinase; minus strand). Cytogenetic location: 9p13.3.
Variant type: single nucleotide variant.
Coding change: c.643A>G on transcript NM_005476.7 (MANE Select); coding-DNA position 643, A replaced by G.
Protein change: p.Ile215Val; replaces isoleucine 215 with valine.
Molecular consequence: missense variant. On other transcripts: intron variant (2).
Genome position (GRCh38, 1-based): chr9:36,236,958, T>C on the plus strand (A>G on the coding strand, the complement: GNE is on the minus strand). VCF-style: chr9-36236958-T-C. GRCh37 (hg19) VCF-style: chr9-36236955-T-C.
Other names: c.736A>G, p.Ile246Val (NM_001128227.3); c.643A>G, p.Ile215Val (NM_001190383.3); c.466A>G, p.Ile156Val (NM_001190388.2, NM_001374798.1); c.440-2826A>G (NM_001190384.3); c.617-2826A>G (NM_001374797.1); short protein forms I215V, I246V, I156V.
Identifiers: ClinVar variation 4782458 (VCV004782458.1).
Genomic context (GRCh38, chr9:36,236,958, plus strand): 5'-ATTCAAACATTTTTATGGAATGCTTAATGTCAGTGGTCACAGGGTGCTGTAGTGCAACAA[T>C]GTAATCTTTAGATTTTACATCATCACCTGTTTAAAGAAAATCAAACCACATTGCTTCATT-3'
Protein context (NP_005467.1, residues 205-225): LGDDVKSKDY[Ile215Val]VALQHPVTTD

ClinVar aggregate classification (germline): Uncertain significance (1 of 4 stars; one submission).

Conditions:
Sialuria. Also called: Sialic Acid Storage Disease; SIALURIA, FRENCH TYPE. Identifiers: Orphanet 3166, MedGen C0342853, MONDO:0010028, OMIM 269921.
GNE myopathy (NM). Also called: IBM 2; Inclusion body myopathy autosomal recessive; Inclusion body myopathy quadriceps sparing; NONAKA DISTAL MYOPATHY; INCLUSION BODY MYOPATHY, HEREDITARY, AUTOSOMAL RECESSIVE; INCLUSION BODY MYOPATHY 2, AUTOSOMAL RECESSIVE. Identifiers: Orphanet 602, MedGen C1853926, MONDO:0011603, OMIM 605820.

Submission:

Labcorp Genetics (formerly Invitae), Labcorp
Classification: Uncertain significance for Sialuria; GNE myopathy. Last evaluated: 2025-02-08. Review status: criteria provided, single submitter. Criteria: Invitae Variant Classification Sherloc (09022015). Collection method: clinical testing. Allele origin: germline.
Comment: This sequence change replaces isoleucine, which is neutral and non-polar, with valine, which is neutral and non-polar, at codon 246 of the GNE protein (p.Ile246Val). This variant is not present in population databases (gnomAD no frequency). This variant has not been reported in the literature in individuals affected with GNE-related conditions. Invitae Evidence Modeling of protein sequence and biophysical properties (such as structural, functional, and spatial information, amino acid conservation, physicochemical variation, residue mobility, and thermodynamic stability) has been performed for this missense variant. However, the output from this modeling did not meet the statistical confidence thresholds required to predict the impact of this variant on GNE protein function. In summary, the available evidence is currently insufficient to determine the role of this variant in disease. Therefore, it has been classified as a Variant of Uncertain Significance.